The following is an entry in ClinVar:

NM_130837.3(OPA1):c.2146A>G (p.Thr716Ala)

Gene: OPA1 (OPA1 mitochondrial dynamin like GTPase; plus strand). Cytogenetic location: 3q29.
Variant type: single nucleotide variant.
Coding change: c.2146A>G on transcript NM_130837.3 (MANE Select); coding-DNA position 2146, A replaced by G.
Protein change: p.Thr716Ala; replaces threonine 716 with alanine.
Molecular consequence: missense variant.
Genome position (GRCh38, 1-based): chr3:193,654,995, A>G. VCF-style: chr3-193654995-A-G. GRCh37 (hg19) VCF-style: chr3-193372784-A-G.
Other names: c.1981A>G, p.Thr661Ala (NM_015560.3); c.1873A>G, p.Thr625Ala (NM_130831.3); c.1927A>G, p.Thr643Ala (NM_130832.3); c.1984A>G, p.Thr662Ala (NM_130833.3); c.2035A>G, p.Thr679Ala (NM_130834.3); c.2038A>G, p.Thr680Ala (NM_130835.3); c.2092A>G, p.Thr698Ala (NM_130836.3); c.1612A>G, p.Thr538Ala (NM_001354663.2); and 1 more; short protein forms T537A, T538A, T643A, T662A, T679A, T661A, T698A, T716A.
Identifiers: ClinVar variation 3697315 (VCV003697315.2).

ClinVar aggregate classification (germline): Uncertain significance (1 of 4 stars; one submission).

gnomAD v4.1: 7 of 1,613,946 alleles (0.00043%); highest among the groups gnomAD compares: Non-Finnish European, 0.00059%; no homozygotes.

Submission:

Labcorp Genetics (formerly Invitae), Labcorp
Classification: Uncertain significance. Last evaluated: 2024-02-17. Review status: criteria provided, single submitter. Criteria: Invitae Variant Classification Sherloc (09022015). Collection method: clinical testing. Allele origin: germline.
Comment: This sequence change replaces threonine, which is neutral and polar, with alanine, which is neutral and non-polar, at codon 661 of the OPA1 protein (p.Thr661Ala). This variant is not present in population databases (gnomAD no frequency). This variant has not been reported in the literature in individuals affected with OPA1-related conditions. Advanced modeling of protein sequence and biophysical properties (such as structural, functional, and spatial information, amino acid conservation, physicochemical variation, residue mobility, and thermodynamic stability) performed at Invitae indicates that this missense variant is not expected to disrupt OPA1 protein function with a negative predictive value of 80%. In summary, the available evidence is currently insufficient to determine the role of this variant in disease. Therefore, it has been classified as a Variant of Uncertain Significance.